The following is an entry in ClinVar:

ClinVar aggregate classification (germline): Uncertain significance (1 of 4 stars; one submission).

Conditions:
CEP164-related disorder. Also called: CEP164-related condition.

gnomAD v4.1: 1 of 1,613,042 alleles (0.000062%); highest among the groups gnomAD compares: Admixed American, 0.0017%; no homozygotes.

Submission:

PreventionGenetics, part of Exact Sciences
Classification: Uncertain significance for CEP164-related condition. Last evaluated: 2025-04-14. Review status: criteria provided, single submitter. Criteria: ACMG Guidelines, 2015. Collection method: clinical testing. Allele origin: germline.
Comment: The CEP164 c.4111C>T variant is predicted to result in the amino acid substitution p.Leu1371Phe. To our knowledge, this variant has not been reported in the literature or in a large population database (gnomAD), indicating this variant is rare. At this time, the clinical significance of this variant is uncertain due to the absence of conclusive functional and genetic evidence.

NM_014956.5(CEP164):c.4111C>T (p.Leu1371Phe)

Gene: CEP164 (centrosomal protein 164; plus strand). Cytogenetic location: 11q23.3.
Variant type: single nucleotide variant.
Coding change: c.4111C>T on transcript NM_014956.5 (MANE Select); coding-DNA position 4111, C replaced by T.
Protein change: p.Leu1371Phe; replaces leucine 1371 with phenylalanine.
Molecular consequence: missense variant.
Genome position (GRCh38, 1-based): chr11:117,410,842, C>T. VCF-style: chr11-117410842-C-T. GRCh37 (hg19) VCF-style: chr11-117281558-C-T.
Other names: c.4096C>T, p.Leu1366Phe (NM_001271933.2); c.4117C>T, p.Leu1373Phe (NM_001440949.1); c.4111C>T, p.Leu1371Phe (NM_001440950.1, NM_001440951.1); c.4102C>T, p.Leu1368Phe (NM_001440952.1); c.4087C>T, p.Leu1363Phe (NM_001440953.1); c.4033C>T, p.Leu1345Phe (NM_001440954.1, NM_001440955.1); c.4024C>T, p.Leu1342Phe (NM_001440956.1); c.4021C>T, p.Leu1341Phe (NM_001440957.1); and 21 more; short protein forms L1252F, L1287F, L1293F, L1295F, L1310F, L1314F, L1316F, L1337F.
Identifiers: ClinVar variation 4977412 (VCV004977412.1).